The following is an entry in ClinVar:

NM_080473.5(GATA5):c.163C>T (p.Pro55Ser)

Gene: GATA5 (GATA binding protein 5; minus strand). Cytogenetic location: 20q13.33.
Variant type: single nucleotide variant.
Coding change: c.163C>T on transcript NM_080473.5 (MANE Select); coding-DNA position 163, C replaced by T.
Protein change: p.Pro55Ser; replaces proline 55 with serine.
Molecular consequence: missense variant.
Genome position (GRCh38, 1-based): chr20:62,475,359, G>A on the plus strand (C>T on the coding strand, the complement: GATA5 is on the minus strand). VCF-style: chr20-62475359-G-A. GRCh37 (hg19) VCF-style: chr20-61050415-G-A.
Other names: short protein forms P55S.
Identifiers: ClinVar variation 2998200 (VCV002998200.3), dbSNP rs111252974, ClinGen allele CA409557613.

ClinVar aggregate classification (germline): Uncertain significance (1 of 4 stars; one submission).

Submission:

Labcorp Genetics (formerly Invitae), Labcorp
Classification: Uncertain significance. Last evaluated: 2023-07-20. Review status: criteria provided, single submitter. Criteria: Invitae Variant Classification Sherloc (09022015). Collection method: clinical testing. Allele origin: germline.
Comment: This sequence change replaces proline, which is neutral and non-polar, with serine, which is neutral and polar, at codon 55 of the GATA5 protein (p.Pro55Ser). This variant is not present in population databases (gnomAD no frequency). This variant has not been reported in the literature in individuals affected with GATA5-related conditions. Advanced modeling of protein sequence and biophysical properties (such as structural, functional, and spatial information, amino acid conservation, physicochemical variation, residue mobility, and thermodynamic stability) performed at Invitae indicates that this missense variant is not expected to disrupt GATA5 protein function. In summary, the available evidence is currently insufficient to determine the role of this variant in disease. Therefore, it has been classified as a Variant of Uncertain Significance.